The following is an entry in ClinVar:

ClinVar aggregate classification (germline): Uncertain significance (1 of 4 stars; one submission).

Submission:

Labcorp Genetics (formerly Invitae), Labcorp
Classification: Uncertain significance. Last evaluated: 2024-08-28. Review status: criteria provided, single submitter. Criteria: Invitae Variant Classification Sherloc (09022015). Collection method: clinical testing. Allele origin: germline.
Comment: This sequence change replaces aspartic acid, which is acidic and polar, with asparagine, which is neutral and polar, at codon 191 of the CTF1 protein (p.Asp191Asn). This variant is not present in population databases (gnomAD no frequency). This variant has not been reported in the literature in individuals affected with CTF1-related conditions. An algorithm developed to predict the effect of missense changes on protein structure and function (PolyPhen-2) suggests that this variant is likely to be disruptive. In summary, the available evidence is currently insufficient to determine the role of this variant in disease. Therefore, it has been classified as a Variant of Uncertain Significance.

NM_001330.5(CTF1):c.571G>A (p.Asp191Asn)

Genes: CTF1 (cardiotrophin 1; plus strand), LOC130058878 (ATAC-STARR-seq lymphoblastoid silent region 7400; plus strand). Cytogenetic location: 16p11.2.
Variant type: single nucleotide variant.
Coding change: c.571G>A on transcript NM_001330.5 (MANE Select); coding-DNA position 571, G replaced by A.
Protein change: p.Asp191Asn; replaces aspartic acid 191 with asparagine.
Molecular consequence: missense variant. On other transcripts: non-coding transcript variant (1).
Genome position (GRCh38, 1-based): chr16:30,902,504, G>A. VCF-style: chr16-30902504-G-A. GRCh37 (hg19) VCF-style: chr16-30913825-G-A.
Other names: c.568G>A, p.Asp190Asn (NM_001142544.3); short protein forms D190N, D191N.
Identifiers: ClinVar variation 3622584 (VCV003622584.2).